The following is an entry in ClinVar:

ClinVar aggregate classification (germline): Conflicting classifications of pathogenicity. Review status: criteria provided, conflicting classifications (1 of 4 stars). 2 submissions from 2 submitters: Uncertain significance (1); Likely benign (1). Last evaluated 2023-03-23.

Conditions:
Hereditary cancer-predisposing syndrome. Also called: Hereditary Cancer Syndrome; Tumor predisposition; Neoplastic Syndromes, Hereditary; Hereditary neoplastic syndrome. Identifiers: Orphanet 140162, MedGen C0027672, MeSH D009386, MONDO:0015356.
Hereditary breast ovarian cancer syndrome. Also called: Hereditary breast and ovarian cancer syndrome (HBOC); Hereditary breast and/or ovarian cancer syndrome; Hereditary breast and ovarian cancer; BRCA1- and BRCA2-Associated Hereditary Breast and Ovarian Cancer; Breast and ovarian cancer; Hereditary breast and ovarian cancer syndrome. Identifiers: Orphanet 145, MedGen C0677776, MeSH D061325, MONDO:0003582. Disease mechanism: loss of function.

Submissions (2):

University of Washington Department of Laboratory Medicine, University of Washington
Classification: Likely benign for Hereditary cancer-predisposing syndrome. Last evaluated: 2023-03-23. Review status: criteria provided, single submitter. Criteria: Dines et al. (Genet Med. 2020). Collection method: curation. Allele origin: germline.
Comment: Missense variant in a coldspot region where missense variants are very unlikely to be pathogenic (PMID:31911673).

BRCA2 exon 11 coldspot. Reclassification based on statistical prior probability.

Labcorp Genetics (formerly Invitae), Labcorp
Classification: Uncertain significance for Hereditary breast ovarian cancer syndrome. Last evaluated: 2022-03-30. Review status: criteria provided, single submitter. Criteria: Invitae Variant Classification Sherloc (09022015). Collection method: clinical testing. Allele origin: germline.
Comment: In summary, the available evidence is currently insufficient to determine the role of this variant in disease. Therefore, it has been classified as a Variant of Uncertain Significance. Advanced modeling of protein sequence and biophysical properties (such as structural, functional, and spatial information, amino acid conservation, physicochemical variation, residue mobility, and thermodynamic stability) performed at Invitae indicates that this missense variant is not expected to disrupt BRCA2 protein function. This variant has not been reported in the literature in individuals affected with BRCA2-related conditions. This variant is not present in population databases (gnomAD no frequency). This sequence change replaces glutamic acid, which is acidic and polar, with lysine, which is basic and polar, at codon 2220 of the BRCA2 protein (p.Glu2220Lys).

NM_000059.4(BRCA2):c.6658G>A (p.Glu2220Lys)

Gene: BRCA2 (BRCA2 DNA repair associated; plus strand). Cytogenetic location: 13q13.1.
Variant type: single nucleotide variant.
Coding change: c.6658G>A on transcript NM_000059.4 (MANE Select); coding-DNA position 6658, G replaced by A.
Protein change: p.Glu2220Lys; replaces glutamic acid 2220 with lysine.
Molecular consequence: missense variant.
Genome position (GRCh38, 1-based): chr13:32,341,013, G>A. VCF-style: chr13-32341013-G-A. GRCh37 (hg19) VCF-style: chr13-32915150-G-A.
Other names: c.6658G>A, p.Glu2220Lys (NM_001406719.1, NM_001406720.1); short protein forms E2220K.
Identifiers: ClinVar variation 2119687 (VCV002119687.6), dbSNP rs2137529502, ClinGen allele CA387790434.
Genomic context (GRCh38, chr13:32,341,013, plus strand): 5'-TTTTCTGATGTTCCTGTGAAAACAAATATAGAAGTTTGTTCTACTTACTCCAAAGATTCA[G>A]AAAACTACTTTGAAACAGAAGCAGTAGAAATTGCTAAAGCTTTTATGGAAGATGATGAAC-3'
Protein context (NP_000050.3, residues 2210-2230): EVCSTYSKDS[Glu2220Lys]NYFETEAVEI